The following is an entry in ClinVar:

NM_001365951.3(KIF1B):c.4370T>C (p.Met1457Thr)

Gene: KIF1B (kinesin family member 1B; plus strand). Cytogenetic location: 1p36.22.
Variant type: single nucleotide variant.
Coding change: c.4370T>C on transcript NM_001365951.3 (MANE Select); coding-DNA position 4370, T replaced by C.
Protein change: p.Met1457Thr; replaces methionine 1457 with threonine.
Molecular consequence: missense variant.
Genome position (GRCh38, 1-based): chr1:10,365,103, T>C. VCF-style: chr1-10365103-T-C. GRCh37 (hg19) VCF-style: chr1-10425161-T-C.
Other names: c.4370T>C, p.Met1457Thr (NM_001365952.1); c.4232T>C, p.Met1411Thr (NM_015074.3); short protein forms M1457T, M1411T.
Identifiers: ClinVar variation 2625701 (VCV002625701.2), dbSNP rs2521910910, ClinGen allele CA338319886.

ClinVar aggregate classification (germline): Uncertain significance (1 of 4 stars; one submission).

Submission:

Ambry Genetics
Classification: Uncertain significance. Last evaluated: 2023-06-30. Review status: criteria provided, single submitter. Criteria: Ambry Variant Classification Scheme 2023. Collection method: clinical testing. Allele origin: germline.
Comment: The p.M1411T variant (also known as c.4232T>C), located in coding exon 39 of the KIF1B gene, results from a T to C substitution at nucleotide position 4232. The methionine at codon 1411 is replaced by threonine, an amino acid with similar properties. This amino acid position is conserved. In addition, this alteration is predicted to be deleterious by in silico analysis. Since supporting evidence is limited at this time, the clinical significance of this alteration remains unclear.